The following is an entry in ClinVar:

NM_001127222.2(CACNA1A):c.6265C>A (p.Arg2089=)

Gene: CACNA1A (calcium voltage-gated channel subunit alpha1 A; minus strand). Cytogenetic location: 19p13.13.
Variant type: single nucleotide variant.
Coding change: c.6265C>A on transcript NM_001127222.2 (MANE Select); coding-DNA position 6265, C replaced by A.
Protein change: p.Arg2089=; no amino-acid change (arginine 2089 retained).
Molecular consequence: synonymous variant.
Genome position (GRCh38, 1-based): chr19:13,212,141, G>T on the plus strand (C>A on the coding strand, the complement: CACNA1A is on the minus strand). VCF-style: chr19-13212141-G-T. GRCh37 (hg19) VCF-style: chr19-13322955-G-T.
Other names: c.6283C>A, p.Arg2095= (NM_000068.4, NM_023035.3); c.6268C>A, p.Arg2090= (NM_001127221.2); c.6274C>A, p.Arg2092= (NM_001174080.2).
Identifiers: ClinVar variation 388018 (VCV000388018.34), dbSNP rs200093958, ClinGen allele CA9239417.

ClinVar aggregate classification (germline): Benign/Likely benign. Review status: criteria provided, multiple submitters, no conflicts (2 of 4 stars). 6 submissions from 6 submitters: Benign (3); Likely benign (3). Last evaluated 2026-01-31.

Conditions:
Inborn genetic diseases. Identifiers: MedGen C0950123, MeSH D030342.
Developmental and epileptic encephalopathy, 42 (DEE42A). Also called: DEVELOPMENTAL AND EPILEPTIC ENCEPHALOPATHY 42A; EPILEPTIC ENCEPHALOPATHY, EARLY INFANTILE, 42A; Epileptic encephalopathy, early infantile, 42. Identifiers: MedGen C4310716, MONDO:0014917, OMIM 617106.
Episodic ataxia type 2 (EA2). Also called: ATAXIA, EPISODIC, WITH NYSTAGMUS; ATAXIA, FAMILIAL PAROXYSMAL; CEREBELLAR ATAXIA, PAROXYSMAL, ACETAZOLAMIDE-RESPONSIVE; CEREBELLOPATHY, HEREDITARY PAROXYSMAL; ACETAZOLAMIDE-RESPONSIVE HEREDITARY PAROXYSMAL CEREBELLAR ATAXIA; EPISODIC ATAXIA, NYSTAGMUS-ASSOCIATED. Identifiers: Orphanet 97, MedGen C1720416, MONDO:0007163, OMIM 108500.

Allele frequency attached by ClinVar (database versions not stated): TOPMed 0.00054; ESP Exome Variant Server 0.00064.

Submissions (6):

Labcorp Genetics (formerly Invitae), Labcorp
Classification: Benign for Developmental and epileptic encephalopathy, 42; Episodic ataxia type 2. Last evaluated: 2026-01-31. Review status: criteria provided, single submitter. Criteria: Invitae Variant Classification Sherloc (09022015). Collection method: clinical testing. Allele origin: germline.

Athena Diagnostics
Classification: Benign. Last evaluated: 2025-09-29. Review status: criteria provided, single submitter. Criteria: Athena Diagnostics Criteria. Collection method: clinical testing. Allele origin: unknown.
Comment: The frequency of this variant in the general population is higher than would generally be expected for pathogenic variants in this gene. Computational tools yielded predictions that this variant is unlikely to have an effect on normal RNA splicing.

CeGaT Center for Human Genetics Tuebingen
Classification: Likely benign. Last evaluated: 2025-07-01. Review status: criteria provided, single submitter. Criteria: CeGaT Center For Human Genetics Tuebingen Variant Classification Criteria Version 2. Collection method: clinical testing. Allele origin: germline. Affected: yes. Observed: 3 variant alleles.
Comment: CACNA1A: BP4, BP7

Blueprint Genetics
Classification: Likely benign. Last evaluated: 2024-11-26. Review status: criteria provided, single submitter. Criteria: ACMG Guidelines, 2015. Collection method: clinical testing. Allele origin: germline.

GeneDx
Classification: Benign. Last evaluated: 2019-02-24. Review status: criteria provided, single submitter. Criteria: GeneDx Variant Classification Process June 2021. Collection method: clinical testing. Allele origin: germline. Affected: yes.

Ambry Genetics
Classification: Likely benign for Inborn genetic diseases. Last evaluated: 2016-12-30. Review status: criteria provided, single submitter. Criteria: Ambry Variant Classification Scheme 2023. Collection method: clinical testing. Allele origin: germline.